The following is an entry in ClinVar:

ClinVar aggregate classification (germline): Likely benign (1 of 4 stars; one submission).

Conditions:
Papillary renal cell carcinoma type 1 (RCCP1). Also called: Renal adenocarcinoma; Renal cell carcinoma 1; Renal cell carcinoma, somatic; RENAL CELL CARCINOMA, PAPILLARY, 1, SOMATIC. Identifiers: Orphanet 47044, MedGen C1336839, OMIM 605074, HP:0011797.

Submission:

Myriad Genetics, Inc.
Classification: Likely benign for Papillary renal cell carcinoma type 1. Last evaluated: 2024-11-07. Review status: criteria provided, single submitter. Criteria: Myriad Autosomal Dominant, Autosomal Recessive and X-Linked Classification Criteria (2023). Collection method: clinical testing. Allele origin: unknown.
Comment: This variant is considered likely benign. This variant is intronic and is not expected to impact mRNA splicing.

NM_000245.4(MET):c.1528-17A>C

Gene: MET (MET proto-oncogene, receptor tyrosine kinase; plus strand). Cytogenetic location: 7q31.2.
Variant type: single nucleotide variant.
Coding change: c.1528-17A>C on transcript NM_000245.4 (MANE Select); 17 bases into the intron before coding-DNA position 1528, A replaced by C.
Molecular consequence: intron variant.
Genome position (GRCh38, 1-based): chr7:116,740,835, A>C. VCF-style: chr7-116740835-A-C. GRCh37 (hg19) VCF-style: chr7-116380889-A-C.
Other names: c.1528-17A>C (NM_001127500.3, NM_001324401.3); c.238-17A>C (NM_001324402.2).
Identifiers: ClinVar variation 3773157 (VCV003773157.1).